The following is an entry in ClinVar:

NM_001083619.3(GRIA2):c.1831G>A (p.Asp611Asn)

Gene: GRIA2 (glutamate ionotropic receptor AMPA type subunit 2; plus strand). Cytogenetic location: 4q32.1.
Variant type: single nucleotide variant.
Coding change: c.1831G>A on transcript NM_001083619.3 (MANE Select); coding-DNA position 1831, G replaced by A.
Protein change: p.Asp611Asn; replaces aspartic acid 611 with asparagine.
Molecular consequence: missense variant.
Genome position (GRCh38, 1-based): chr4:157,336,734, G>A. VCF-style: chr4-157336734-G-A. GRCh37 (hg19) VCF-style: chr4-158257886-G-A.
Other names: c.1831G>A, p.Asp611Asn (NM_000826.6); c.1690G>A, p.Asp564Asn (NM_001083620.3, NM_001379000.3, NM_001379001.3); short protein forms D611N, D564N.
Identifiers: ClinVar variation 440956 (VCV000440956.5), dbSNP rs1553956958, ClinGen allele CA358648700.

ClinVar aggregate classification (germline): Conflicting classifications of pathogenicity. Review status: criteria provided, conflicting classifications (1 of 4 stars). 3 submissions from 3 submitters: Likely pathogenic (1); Uncertain significance (1). 1 of the submissions does not count toward it. Last evaluated 2023-10-11.

Conditions:
Neurodevelopmental disorder with language impairment and behavioral abnormalities. Also called: GRIA2-related neurodevelopmental disorder. Identifiers: MedGen C5394502, MONDO:0030060, OMIM 618917.

Submissions (3):

Equipe Genetique des Anomalies du Developpement, Université de Bourgogne
Classification: Uncertain significance for Neurodevelopmental disorder with language impairment and behavioral abnormalities. Last evaluated: 2023-10-11. Review status: criteria provided, single submitter. Criteria: ACMG Guidelines, 2015. Collection method: clinical testing. Allele origin: de novo. Affected: yes.

SIB Swiss Institute of Bioinformatics
Classification: Likely pathogenic for Neurodevelopmental disorder with language impairment and behavioral abnormalities. Last evaluated: 2021-04-01. Review status: criteria provided, single submitter. Criteria: ACMG Guidelines, 2015. Collection method: curation. Allele origin: unknown.
Comment: This variant is interpreted as a likely pathogenic for Neurodevelopmental disorder with language impairment and behavioral abnormalities, autosomal dominant. The following ACMG Tag(s) were applied: Absent from controls (or at extremely low frequency if recessive) in Exome Sequencing Project, 1000 Genomes Project, or Exome Aggregation Consortium (PM2); De novo (paternity and maternity confirmed) (PS2 downgraded to moderate); Multiple lines of computational evidence support a deleterious effect on the gene or gene product (PP3); Missense variant in a gene that has a low rate of benign missense variation and in which missense variants are a common mechanism of disease (PP2).

OMIM
Classification: Pathogenic for NEURODEVELOPMENTAL DISORDER WITH LANGUAGE IMPAIRMENT AND BEHAVIORAL ABNORMALITIES. Last evaluated: 2020-06-25. Review status: no assertion criteria provided. Collection method: literature only. Allele origin: germline. Not counted in ClinVar's aggregate classification.

Literature cited by the submitters: PubMed 31300657 (cited by SIB Swiss Institute of Bioinformatics and OMIM).